The following is an entry in ClinVar:

NM_001160148.2(DDHD1):c.2239A>G (p.Ile747Val)

Gene: DDHD1 (DDHD domain containing 1; minus strand). Cytogenetic location: 14q22.1.
Variant type: single nucleotide variant.
Coding change: c.2239A>G on transcript NM_001160148.2 (MANE Select); coding-DNA position 2239, A replaced by G.
Protein change: p.Ile747Val; replaces isoleucine 747 with valine.
Molecular consequence: missense variant.
Genome position (GRCh38, 1-based): chr14:53,055,666, T>C on the plus strand (A>G on the coding strand, the complement: DDHD1 is on the minus strand). VCF-style: chr14-53055666-T-C. GRCh37 (hg19) VCF-style: chr14-53522384-T-C.
Other names: c.2260A>G, p.Ile754Val (NM_001160147.2); c.2239A>G, p.Ile747Val (NM_030637.3); c.2239A>G (NM_001160148.1); short protein forms I754V, I747V.
Identifiers: ClinVar variation 2141390 (VCV002141390.4), dbSNP rs899518972, ClinGen allele CA261017731.
Genomic context (GRCh38, chr14:53,055,666, plus strand): 5'-TATGTCTAGGAAAGTGCTTATATGCATAGATAAGGAATACATAAGAGAAATTACCTAATA[T>C]GCTTGCTTTGCCTATATTTGTTATAGATTCTCCATAGTGTCGGCGGGACAAAACTGGTGA-3'
Protein context (NP_001153620.1, residues 737-757): ESITNIGKAS[Ile747Val]LGAASIGKGL

ClinVar aggregate classification (germline): Uncertain significance. Review status: criteria provided, multiple submitters, no conflicts (2 of 4 stars). 2 submissions from 2 submitters: Uncertain significance (2). Last evaluated 2024-05-14.

Conditions:
Inborn genetic diseases. Identifiers: MedGen C0950123, MeSH D030342.
Hereditary spastic paraplegia 28. Also called: Spastic paraplegia 28, autosomal recessive. Identifiers: Orphanet 101008, MedGen C1836295, MONDO:0012256, OMIM 609340.

Allele frequency attached by ClinVar (database versions not stated): gnomAD 0.00001; TOPMed 0.00001.
gnomAD v4.1: 1 of 1,613,922 alleles (0.000062%); highest among the groups gnomAD compares: Non-Finnish European, 0.000085%; no homozygotes.

Submissions (2):

Ambry Genetics
Classification: Uncertain significance for Inborn genetic diseases. Last evaluated: 2024-05-14. Review status: criteria provided, single submitter. Criteria: Ambry Variant Classification Scheme 2023. Collection method: clinical testing. Allele origin: germline.

Labcorp Genetics (formerly Invitae), Labcorp
Classification: Uncertain significance for Hereditary spastic paraplegia 28. Last evaluated: 2022-01-24. Review status: criteria provided, single submitter. Criteria: Invitae Variant Classification Sherloc (09022015). Collection method: clinical testing. Allele origin: germline.
Comment: This variant is present in population databases (no rsID available, gnomAD 0.0009%). This sequence change replaces isoleucine, which is neutral and non-polar, with valine, which is neutral and non-polar, at codon 754 of the DDHD1 protein (p.Ile754Val). This variant has not been reported in the literature in individuals affected with DDHD1-related conditions. Algorithms developed to predict the effect of missense changes on protein structure and function are either unavailable or do not agree on the potential impact of this missense change (SIFT: "Tolerated"; PolyPhen-2: "Probably Damaging"; Align-GVGD: "Class C0"). In summary, the available evidence is currently insufficient to determine the role of this variant in disease. Therefore, it has been classified as a Variant of Uncertain Significance.